The following is an entry in ClinVar:

ClinVar aggregate classification (germline): Uncertain significance (1 of 4 stars; one submission).

Submission:

Ambry Genetics
Classification: Uncertain significance. Last evaluated: 2024-06-14. Review status: criteria provided, single submitter. Criteria: Ambry Variant Classification Scheme 2023. Collection method: clinical testing. Allele origin: germline.
Comment: The p.M590I variant (also known as c.1770G>C), located in coding exon 16 of the RAD54L gene, results from a G to C substitution at nucleotide position 1770. The methionine at codon 590 is replaced by isoleucine, an amino acid with highly similar properties. This amino acid position is conserved. In addition, this alteration is predicted to be deleterious by in silico analysis. Based on the available evidence, the clinical significance of this variant remains unclear.

NM_003579.4(RAD54L):c.1770G>C (p.Met590Ile)

Gene: RAD54L (RAD54 like; plus strand). Cytogenetic location: 1p34.1.
Variant type: single nucleotide variant.
Coding change: c.1770G>C on transcript NM_003579.4 (MANE Select); coding-DNA position 1770, G replaced by C.
Protein change: p.Met590Ile; replaces methionine 590 with isoleucine.
Molecular consequence: missense variant.
Genome position (GRCh38, 1-based): chr1:46,274,618, G>C. VCF-style: chr1-46274618-G-C. GRCh37 (hg19) VCF-style: chr1-46740290-G-C.
Other names: c.1770G>C, p.Met590Ile (NM_001142548.2); c.1230G>C, p.Met410Ile (NM_001370766.1); short protein forms M410I, M590I.
Identifiers: ClinVar variation 3312498 (VCV003312498.1).